The following is an entry in ClinVar:

ClinVar aggregate classification (germline): Uncertain significance (1 of 4 stars; one submission).

Conditions:
Arrhythmogenic right ventricular dysplasia 5. Also called: Arrhythmogenic Right Ventricular Dysplasia/Cardiomyopathy 5; ARRHYTHMOGENIC RIGHT VENTRICULAR DYSPLASIA, FAMILIAL, 5. Identifiers: MedGen C1858379, MONDO:0011459, OMIM 604400.

Submission:

All of Us Research Program, National Institutes of Health
Classification: Uncertain significance for Arrhythmogenic right ventricular dysplasia 5. Last evaluated: 2023-08-15. Review status: criteria provided, single submitter. Criteria: ACMG Guidelines, 2015. Collection method: clinical testing. Allele origin: germline. Inheritance: Autosomal dominant inheritance. Observed: 1 variant allele, 1 heterozygote.
Comment: This variant deletes 1 nucleotide in exon 12 of the TMEM43 gene, causing a frameshift at the codon for the last amino acid of the protein and addition of 14 new amino acids before introducing a stop codon. This results in a protein product that is 13 amino acids longer than the normal protein product. To our knowledge, functional studies have not been reported for this variant. This variant has not been reported in individuals affected with TMEM43-related disorders in the literature. This variant has not been identified in the general population by the Genome Aggregation Database (gnomAD). The available evidence is insufficient to determine the role of this variant in disease conclusively. Therefore, this variant is classified as a Variant of Uncertain Significance.

This study involves interpretation of variants in research participants for the purpose of population health screening. Participant phenotype was not available at the time of variant classification. Additional details can be found in publication PMID: 35346344, PMCID: PMC8962531

NM_024334.3(TMEM43):c.1198del (p.Glu400fs)

Gene: TMEM43 (transmembrane protein 43; plus strand). Cytogenetic location: 3p25.1.
Variant type: Deletion.
Coding change: c.1198del on transcript NM_024334.3 (MANE Select); coding-DNA position 1198, one base deleted (G; older notation c.1198delG).
Protein change: p.Glu400fs; shifts the reading frame from glutamic acid 400.
Molecular consequence: frameshift variant.
Genome position (GRCh38, 1-based): chr3:14,141,790, G deleted; the last of 2 consecutive G bases (chr3:14,141,789-14,141,790); deleting either gives the same sequence. VCF-style (leftmost placement, unchanged base first): chr3-14141788-TG-T. GRCh37 (hg19) VCF-style: chr3-14183288-TG-T.
Other names: c.1201del, p.Glu401fs (NM_001407274.1); c.1195del, p.Glu399fs (NM_001407275.1, NM_001407276.1); c.1192del, p.Glu398fs (NM_001407277.1); c.1183del, p.Glu395fs (NM_001407278.1); c.1123del, p.Glu375fs (NM_001407279.1); c.1048del, p.Glu350fs (NM_001407280.1); short protein forms E350fs, E375fs, E395fs, E398fs, E399fs, E400fs, E401fs.
Identifiers: ClinVar variation 3072897 (VCV003072897.1), dbSNP rs1559363778, ClinGen allele CA2825001179.